The following is an entry in ClinVar:

NM_021973.3(HAND2):c.594G>C (p.Lys198Asn)

Gene: HAND2 (heart and neural crest derivatives expressed 2; minus strand). Cytogenetic location: 4q34.1.
Variant type: single nucleotide variant.
Coding change: c.594G>C on transcript NM_021973.3 (MANE Select); coding-DNA position 594, G replaced by C.
Protein change: p.Lys198Asn; replaces lysine 198 with asparagine.
Molecular consequence: missense variant.
Genome position (GRCh38, 1-based): chr4:173,527,337, C>G on the plus strand (G>C on the coding strand, the complement: HAND2 is on the minus strand). VCF-style: chr4-173527337-C-G. GRCh37 (hg19) VCF-style: chr4-174448488-C-G.
Other names: short protein forms K198N.
Identifiers: ClinVar variation 1981834 (VCV001981834.5), dbSNP rs79728781, ClinGen allele CA3141245.
Genomic context (GRCh38, chr4:173,527,337, plus strand): 5'-TCACTGCTTGAGCTCCAGGGCCCAGACGTGCTGCGGCCAGCCCGTCCGGCCTTTGGTTTT[C>G]TTGTCGTTGCTGCTCACTGTGCTTTTCAAGATTTCGTTCTGGACAGAGGAAAGGCGAGGG-3'
Protein context (NP_068808.1, residues 188-208): ILKSTVSSND[Lys198Asn]KTKGRTGWPQ

ClinVar aggregate classification (germline): Conflicting classifications of pathogenicity. Review status: criteria provided, conflicting classifications (1 of 4 stars). 2 submissions from 2 submitters: Uncertain significance (1); Likely benign (1). Last evaluated 2024-11-07.

Allele frequency attached by ClinVar (database versions not stated): ExAC 0.00001; gnomAD 0.00001; TOPMed 0.00001; gnomAD exomes 0.00003.

Submissions (2):

Blueprint Genetics
Classification: Likely benign. Last evaluated: 2024-11-07. Review status: criteria provided, single submitter. Criteria: ACMG Guidelines, 2015. Collection method: clinical testing. Allele origin: germline.

Labcorp Genetics (formerly Invitae), Labcorp
Classification: Uncertain significance. Last evaluated: 2022-06-22. Review status: criteria provided, single submitter. Criteria: Invitae Variant Classification Sherloc (09022015). Collection method: clinical testing. Allele origin: germline.
Comment: This sequence change replaces lysine, which is basic and polar, with asparagine, which is neutral and polar, at codon 198 of the HAND2 protein (p.Lys198Asn). This variant is present in population databases (rs79728781, gnomAD 0.005%). This variant has not been reported in the literature in individuals affected with HAND2-related conditions. Algorithms developed to predict the effect of missense changes on protein structure and function (SIFT, PolyPhen-2, Align-GVGD) all suggest that this variant is likely to be tolerated. In summary, the available evidence is currently insufficient to determine the role of this variant in disease. Therefore, it has been classified as a Variant of Uncertain Significance.